The following is an entry in ClinVar:

ClinVar aggregate classification (germline): Uncertain significance (1 of 4 stars; one submission).

Conditions:
Combined immunodeficiency due to LRBA deficiency. Also called: Common variable immunodeficiency 8, with autoimmunity. Identifiers: Orphanet 445018, MedGen C3553512, MONDO:0013863, OMIM 614700.

Submission:

Labcorp Genetics (formerly Invitae), Labcorp
Classification: Uncertain significance for Combined immunodeficiency due to LRBA deficiency. Last evaluated: 2022-03-29. Review status: criteria provided, single submitter. Criteria: Invitae Variant Classification Sherloc (09022015). Collection method: clinical testing. Allele origin: germline.
Comment: In summary, the available evidence is currently insufficient to determine the role of this variant in disease. Therefore, it has been classified as a Variant of Uncertain Significance. Algorithms developed to predict the effect of missense changes on protein structure and function are either unavailable or do not agree on the potential impact of this missense change (SIFT: "Deleterious"; PolyPhen-2: "Probably Damaging"; Align-GVGD: "Class C0"). ClinVar contains an entry for this variant (Variation ID: 946212). This variant has not been reported in the literature in individuals affected with LRBA-related conditions. This variant is not present in population databases (gnomAD no frequency). This sequence change replaces arginine, which is basic and polar, with serine, which is neutral and polar, at codon 771 of the LRBA protein (p.Arg771Ser).

NM_001364905.1(LRBA):c.2313G>C (p.Arg771Ser)

Gene: LRBA (LPS responsive beige-like anchor protein; minus strand). Cytogenetic location: 4q31.3.
Variant type: single nucleotide variant.
Coding change: c.2313G>C on transcript NM_001364905.1 (MANE Select); coding-DNA position 2313, G replaced by C.
Protein change: p.Arg771Ser; replaces arginine 771 with serine.
Molecular consequence: missense variant.
Genome position (GRCh38, 1-based): chr4:150,871,399, C>G on the plus strand (G>C on the coding strand, the complement: LRBA is on the minus strand). VCF-style: chr4-150871399-C-G. GRCh37 (hg19) VCF-style: chr4-151792551-C-G.
Other names: c.2313G>C, p.Arg771Ser (NM_001199282.3, NM_001367550.1, NM_006726.5); short protein forms R771S.
Identifiers: ClinVar variation 946212 (VCV000946212.5), dbSNP rs1753425532, ClinGen allele CA358466947.